The following is an entry in ClinVar:

NM_000260.4(MYO7A):c.3924+1G>C

Gene: MYO7A (myosin VIIA; plus strand). Cytogenetic location: 11q13.5.
Variant type: single nucleotide variant.
Coding change: c.3924+1G>C on transcript NM_000260.4 (MANE Select); the canonical splice donor site of the intron after coding-DNA position 3924, G replaced by C.
Molecular consequence: splice donor variant.
Genome position (GRCh38, 1-based): chr11:77,190,871, G>C. VCF-style: chr11-77190871-G-C. GRCh37 (hg19) VCF-style: chr11-76901916-G-C.
Other names: c.3891+1G>C (NM_001369365.1); c.3924+1G>C (NM_001127180.2).
Identifiers: ClinVar variation 558000 (VCV000558000.12), dbSNP rs1226046110, ClinGen allele CA381947997.

ClinVar aggregate classification (germline): Pathogenic. Review status: criteria provided, multiple submitters, no conflicts (2 of 4 stars). 4 submissions from 4 submitters: Pathogenic (3). 1 of the submissions does not count toward it. Last evaluated 2024-12-17.

Conditions:
Autosomal recessive nonsyndromic hearing loss 2. Also called: DEAFNESS, AUTOSOMAL RECESSIVE 2; NEUROSENSORY NONSYNDROMIC RECESSIVE DEAFNESS 2. Identifiers: Orphanet 90636, MedGen C1838701, MONDO:0010807, OMIM 600060.
Usher syndrome type 1 (USH1). Also called: RETINITIS PIGMENTOSA AND CONGENITAL DEAFNESS. Identifiers: Orphanet 231169, Orphanet 886, MedGen C1568247, MONDO:0010168, OMIM 276900.
Autosomal dominant nonsyndromic hearing loss 11. Identifiers: Orphanet 90635, MedGen C1832475, MONDO:0011032, OMIM 601317.

Allele frequency attached by ClinVar (database versions not stated): gnomAD exomes below 0.00001 and 0.00001; TOPMed 0.00001.
gnomAD v4.1: 1 of 1,554,842 alleles (0.000064%); highest among the groups gnomAD compares: East Asian, 0.0024%; no homozygotes.

Submissions (4):

GeneDx
Classification: Pathogenic. Last evaluated: 2024-12-17. Review status: criteria provided, single submitter. Criteria: GeneDx Variant Classification Process June 2021. Collection method: clinical testing. Allele origin: germline. Affected: yes.
Comment: Canonical splice site variant expected to result in aberrant splicing, although in the absence of functional evidence the actual effect of this sequence change is unknown.; Not observed at significant frequency in large population cohorts (gnomAD); This variant is associated with the following publications: (PMID: 27729122)

Fulgent Genetics
Classification: Pathogenic for Usher syndrome type 1; Autosomal recessive nonsyndromic hearing loss 2; Autosomal dominant nonsyndromic hearing loss 11. Last evaluated: 2024-05-02. Review status: criteria provided, single submitter. Criteria: ACMG Guidelines, 2015. Collection method: clinical testing. Allele origin: germline.

Labcorp Genetics (formerly Invitae), Labcorp
Classification: Pathogenic. Last evaluated: 2024-02-16. Review status: criteria provided, single submitter. Criteria: Invitae Variant Classification Sherloc (09022015). Collection method: clinical testing. Allele origin: germline.
Comment: This sequence change affects a donor splice site in intron 30 of the MYO7A gene. It is expected to disrupt RNA splicing. Variants that disrupt the donor or acceptor splice site typically lead to a loss of protein function (PMID: 16199547), and loss-of-function variants in MYO7A are known to be pathogenic (PMID: 8900236, 25404053). The frequency data for this variant in the population databases is considered unreliable, as metrics indicate poor data quality at this position in the gnomAD database. Disruption of this splice site has been observed in individual(s) with Usher syndrome (PMID: 27729122). In at least one individual the data is consistent with being in trans (on the opposite chromosome) from a pathogenic variant. It has also been observed to segregate with disease in related individuals. ClinVar contains an entry for this variant (Variation ID: 558000). Algorithms developed to predict the effect of sequence changes on RNA splicing suggest that this variant may disrupt the consensus splice site. For these reasons, this variant has been classified as Pathogenic.

Counsyl
Classification: Likely pathogenic for Usher syndrome type 1; Autosomal recessive nonsyndromic hearing loss 2. Last evaluated: 2018-04-25. Review status: no assertion criteria provided. Collection method: clinical testing. Allele origin: unknown. Not counted in ClinVar's aggregate classification.

Literature cited by the submitters: PubMed 16199547 (cited by Labcorp Genetics (formerly Invitae), Labcorp); PubMed 8900236 (cited by Labcorp Genetics (formerly Invitae), Labcorp); PubMed 25404053 (cited by Labcorp Genetics (formerly Invitae), Labcorp); PubMed 27729122 (cited by Labcorp Genetics (formerly Invitae), Labcorp and Counsyl).